The following is an entry in ClinVar:

ClinVar aggregate classification (germline): Pathogenic. Review status: criteria provided, multiple submitters, no conflicts (2 of 4 stars). 3 submissions from 3 submitters: Pathogenic (3). Last evaluated 2023-07-19.

Conditions:
Tuberous sclerosis 1 (TSC1). Identifiers: Orphanet 805, MedGen C1854465, MONDO:0008612, OMIM 191100.
Tuberous sclerosis syndrome (TSC). Also called: Tuberous Sclerosis Complex; Tuberous sclerosis. Identifiers: Orphanet 805, MedGen C0041341, MONDO:0001734.

Allele frequency attached by ClinVar (database versions not stated): gnomAD exomes below 0.00001.

Submissions (3):

All of Us Research Program, National Institutes of Health
Classification: Pathogenic for Tuberous sclerosis syndrome. Last evaluated: 2023-07-19. Review status: criteria provided, single submitter. Criteria: ACMG Guidelines, 2015. Collection method: clinical testing. Allele origin: germline. Inheritance: Autosomal dominant inheritance. Observed: 1 variant allele, 1 heterozygote.
Comment: This variant deletes 1 nucleotide in exon 14 of the TSC1 gene, creating a frameshift and premature translation stop signal. This variant is expected to result in an absent or non-functional protein product. To our knowledge, this variant has not been reported in individuals affected with TSC1-related disorders in the literature. This variant has not been identified in the general population by the Genome Aggregation Database (gnomAD). Loss of TSC1 function is a known mechanism of disease. Based on the available evidence, this variant is classified as Pathogenic.

This study involves interpretation of variants in research participants for the purpose of population health screening. Participant phenotype was not available at the time of variant classification. Additional details can be found in publication PMID: 35346344, PMCID: PMC8962531

Color Diagnostics, LLC DBA Color Health
Classification: Pathogenic for Tuberous sclerosis syndrome. Last evaluated: 2023-05-05. Review status: criteria provided, single submitter. Criteria: ACMG Guidelines, 2015. Collection method: clinical testing. Allele origin: germline.
Comment: This variant deletes 1 nucleotide in exon 14 of the TSC1 gene, creating a frameshift and premature translation stop signal. This variant is expected to result in an absent or non-functional protein product. To our knowledge, this variant has not been reported in individuals affected with TSC1-related disorders in the literature. This variant has not been identified in the general population by the Genome Aggregation Database (gnomAD). Loss of TSC1 function is a known mechanism of disease. Based on the available evidence, this variant is classified as Pathogenic.

Labcorp Genetics (formerly Invitae), Labcorp
Classification: Pathogenic for Tuberous sclerosis 1. Last evaluated: 2022-11-03. Review status: criteria provided, single submitter. Criteria: Invitae Variant Classification Sherloc (09022015). Collection method: clinical testing. Allele origin: germline.
Comment: This sequence change creates a premature translational stop signal (p.Asp471Valfs*61) in the TSC1 gene. It is expected to result in an absent or disrupted protein product. Loss-of-function variants in TSC1 are known to be pathogenic (PMID: 10227394, 17304050). For these reasons, this variant has been classified as Pathogenic. ClinVar contains an entry for this variant (Variation ID: 1415522). This variant has not been reported in the literature in individuals affected with TSC1-related conditions. This variant is not present in population databases (gnomAD no frequency).

Literature cited by the submitters: PubMed 10227394 (cited by Labcorp Genetics (formerly Invitae), Labcorp); PubMed 17304050 (cited by Labcorp Genetics (formerly Invitae), Labcorp).

NM_000368.5(TSC1):c.1412del (p.Asp471fs)

Gene: TSC1 (TSC complex subunit 1; minus strand). Cytogenetic location: 9q34.13.
Variant type: Deletion.
Coding change: c.1412del on transcript NM_000368.5 (MANE Select); coding-DNA position 1412, one base deleted (A; older notation c.1412delA).
Protein change: p.Asp471fs; shifts the reading frame from aspartic acid 471.
Molecular consequence: frameshift variant.
Genome position (GRCh38, 1-based): chr9:132,906,757, T deleted on the plus strand (A on the coding strand, the reverse complement: TSC1 is on the minus strand). VCF-style (leftmost placement, unchanged base first): chr9-132906756-AT-A. GRCh37 (hg19) VCF-style: chr9-135782143-AT-A.
Other names: c.1409del, p.Asp470fs (NM_001162426.2); c.1259del, p.Asp420fs (NM_001162427.2); c.1049del, p.Asp350fs (NM_001362177.2); short protein forms D350fs, D470fs, D420fs, D471fs.
Identifiers: ClinVar variation 1415522 (VCV001415522.9), dbSNP rs2131863156, ClinGen allele CA2573144295.